The following is an entry in ClinVar:

NM_015404.4(WHRN):c.2418+142A>G

Gene: WHRN (whirlin; minus strand). Cytogenetic location: 9q32.
Variant type: single nucleotide variant.
Coding change: c.2418+142A>G on transcript NM_015404.4 (MANE Select); 142 bases into the intron after coding-DNA position 2418, A replaced by G.
Molecular consequence: intron variant.
Genome position (GRCh38, 1-based): chr9:114,403,754, T>C on the plus strand (A>G on the coding strand, the complement: WHRN is on the minus strand). VCF-style: chr9-114403754-T-C. GRCh37 (hg19) VCF-style: chr9-117166034-T-C.
Other names: c.2415+142A>G (NM_001173425.2); c.1269+142A>G (NM_001083885.3); c.1365+142A>G (NM_001346890.1).
Identifiers: ClinVar variation 678779 (VCV000678779.1), dbSNP rs10739410, ClinGen allele CA13101021.

ClinVar aggregate classification (germline): Benign (1 of 4 stars; one submission).

Allele frequency attached by ClinVar (database versions not stated): 1000 Genomes Project 30x 0.40131; TOPMed 0.40584; 1000 Genomes Project 0.40595; gnomAD 0.40617 and 0.41318; gnomAD exomes 0.48524.
gnomAD v4.1: 507,471 of 1,069,302 alleles (47%); highest among the groups gnomAD compares: Middle Eastern, 56%; 123,615 homozygotes.

Submission:

GeneDx
Classification: Benign. Last evaluated: 2018-06-14. Review status: criteria provided, single submitter. Criteria: GeneDx Variant Classification (06012015). Collection method: clinical testing. Allele origin: germline. Affected: yes.
Comment: This variant is considered likely benign or benign based on one or more of the following criteria: it is a conservative change, it occurs at a poorly conserved position in the protein, it is predicted to be benign by multiple in silico algorithms, and/or has population frequency not consistent with disease.